The following is an entry in ClinVar:

NM_000179.3(MSH6):c.3925C>G (p.Pro1309Ala)

Gene: MSH6 (mutS homolog 6; plus strand). Cytogenetic location: 2p16.3.
Variant type: single nucleotide variant.
Coding change: c.3925C>G on transcript NM_000179.3 (MANE Select); coding-DNA position 3925, C replaced by G.
Protein change: p.Pro1309Ala; replaces proline 1309 with alanine.
Molecular consequence: missense variant. On other transcripts: synonymous variant (1), non-coding transcript variant (5), intron variant (1).
Genome position (GRCh38, 1-based): chr2:47,806,575, C>G. VCF-style: chr2-47806575-C-G. GRCh37 (hg19) VCF-style: chr2-48033714-C-G.
Other names: c.3535C>G, p.Pro1179Ala (NM_001281492.2); c.3019C>G, p.Pro1007Ala (NM_001281493.2, NM_001281494.2, NM_001406811.1 and 6 more transcripts); c.4021C>G, p.Pro1341Ala (NM_001406795.1); c.3925C>G, p.Pro1309Ala (NM_001406796.1, NM_001406808.1, NM_001406809.1); c.3628C>G, p.Pro1210Ala (NM_001406797.1, NM_001406801.1, NM_001406805.1 and 10 more transcripts); c.3751C>G, p.Pro1251Ala (NM_001406798.1); c.3400C>G, p.Pro1134Ala (NM_001406799.1, NM_001406806.1, NM_001406807.1); c.3912C>G, p.Ser1304= (NM_001406800.1); and 9 more; short protein forms P1007A, P1021A, P1134A, P1179A, P1210A, P1251A, P1253A, P1283A.
Identifiers: ClinVar variation 4800239 (VCV004800239.1).
Genomic context (GRCh38, chr2:47,806,575, plus strand): 5'-TTCATTAAGGGAGCTTGTCCTAAAAGCTATGGCTTTAATGCAGCAAGGCTTGCTAATCTC[C>G]CAGAGGAAGTTATTCAAAAGGGACATAGAAAAGCAAGAGAATTTGAGAAGATGAATCAGT-3'
Protein context (NP_000170.1, residues 1299-1319): GFNAARLANL[Pro1309Ala]EEVIQKGHRK

ClinVar aggregate classification (germline): Uncertain significance (1 of 4 stars; one submission).

Conditions:
Hereditary nonpolyposis colorectal neoplasms. Identifiers: MedGen C0009405, MeSH D003123.

Submission:

Labcorp Genetics (formerly Invitae), Labcorp
Classification: Uncertain significance for Hereditary nonpolyposis colorectal neoplasms. Last evaluated: 2025-11-15. Review status: criteria provided, single submitter. Criteria: Invitae Variant Classification Sherloc (09022015). Collection method: clinical testing. Allele origin: germline.
Comment: This sequence change replaces proline, which is neutral and non-polar, with alanine, which is neutral and non-polar, at codon 1309 of the MSH6 protein (p.Pro1309Ala). This variant is not present in population databases (gnomAD no frequency). This variant has not been reported in the literature in individuals affected with MSH6-related conditions. Invitae Evidence Modeling of protein sequence and biophysical properties (such as structural, functional, and spatial information, amino acid conservation, physicochemical variation, residue mobility, and thermodynamic stability) has been performed for this missense variant. However, the output from this modeling did not meet the statistical confidence thresholds required to predict the impact of this variant on MSH6 protein function. In summary, the available evidence is currently insufficient to determine the role of this variant in disease. Therefore, it has been classified as a Variant of Uncertain Significance.